The following is an entry in ClinVar:

ClinVar aggregate classification (germline): Likely benign. Review status: criteria provided, multiple submitters, no conflicts (2 of 4 stars). 3 submissions from 3 submitters: Likely benign (3). Last evaluated 2026-01-01.

Conditions:
Primary ciliary dyskinesia. Also called: Ciliary dyskinesia. Identifiers: Orphanet 244, MedGen C0008780, MONDO:0016575, HP:0012265.

Allele frequency attached by ClinVar (database versions not stated): gnomAD exomes 0.00001 and 0.00002; ExAC 0.00002; gnomAD 0.00002; TOPMed 0.00002.
gnomAD v4.1: 21 of 1,613,506 alleles (0.0013%); highest among the groups gnomAD compares: South Asian, 0.0033%; no homozygotes.

Submissions (3):

CeGaT Center for Human Genetics Tuebingen
Classification: Likely benign. Last evaluated: 2026-01-01. Review status: criteria provided, single submitter. Criteria: CeGaT Center For Human Genetics Tuebingen Variant Classification Criteria Version 2. Collection method: clinical testing. Allele origin: germline. Affected: yes. Observed: 1 variant allele.
Comment: DNAH5: BP4, BP7

Labcorp Genetics (formerly Invitae), Labcorp
Classification: Likely benign for Primary ciliary dyskinesia. Last evaluated: 2025-05-12. Review status: criteria provided, single submitter. Criteria: Invitae Variant Classification Sherloc (09022015). Collection method: clinical testing. Allele origin: germline.

Blueprint Genetics
Classification: Likely benign. Last evaluated: 2023-09-21. Review status: criteria provided, single submitter. Criteria: ACMG Guidelines, 2015. Collection method: clinical testing. Allele origin: germline.

NM_001369.3(DNAH5):c.2985C>T (p.Asp995=)

Genes: DNAH5 (dynein axonemal heavy chain 5; minus strand), DNAH5-AS1 (DNAH5 antisense RNA 1; plus strand). Cytogenetic location: 5p15.2.
Variant type: single nucleotide variant.
Coding change: c.2985C>T on transcript NM_001369.3 (MANE Select); coding-DNA position 2985, C replaced by T.
Protein change: p.Asp995=; no amino-acid change (aspartic acid 995 retained).
Molecular consequence: synonymous variant.
Genome position (GRCh38, 1-based): chr5:13,883,093, G>A on the plus strand (C>T on the coding strand, the complement: DNAH5 is on the minus strand). VCF-style: chr5-13883093-G-A. GRCh37 (hg19) VCF-style: chr5-13883202-G-A.
Identifiers: ClinVar variation 1099940 (VCV001099940.14), dbSNP rs779686658, ClinGen allele CA3204424.